The following is an entry in ClinVar:

ClinVar aggregate classification (germline): Pathogenic (1 of 4 stars; one submission).

Conditions:
PPARG-related familial partial lipodystrophy. Also called: LIPODYSTROPHY, FAMILIAL PARTIAL, ASSOCIATED WITH PPARG MUTATIONS. Identifiers: Orphanet 79083, MedGen C1720861, MONDO:0011448, OMIM 604367.

Submission:

Institute of Human Genetics, University of Leipzig Medical Center
Classification: Pathogenic for PPARG-related familial partial lipodystrophy. Last evaluated: 2021-12-14. Review status: criteria provided, single submitter. Criteria: ACMG Guidelines, 2015. Collection method: clinical testing. Allele origin: unknown. Affected: yes.
Comment: variant segregates with typical phenotype in 3 meioses in one family_x000D_ Criteria applied: PVS1, PS4_SUP, PM2_SUP, PP1

NM_138711.6(PPARG):c.530-1G>A

Genes: PPARG (peroxisome proliferator activated receptor gamma; plus strand), LOC114803475 (PPARG eExon liver enhancer; plus strand). Cytogenetic location: 3p25.2.
Variant type: single nucleotide variant.
Coding change: c.530-1G>A on transcript NM_138711.6 (MANE Select); the canonical splice acceptor site of the intron before coding-DNA position 530, G replaced by A.
Molecular consequence: splice acceptor variant. On other transcripts: intron variant (1).
Genome position (GRCh38, 1-based): chr3:12,405,881, G>A. VCF-style: chr3-12405881-G-A. GRCh37 (hg19) VCF-style: chr3-12447380-G-A.
Other names: c.530-1G>A (NM_001354666.3, NM_138712.5, NM_005037.7 and 6 more transcripts); c.103-10823G>A (NM_001354669.2); c.536-1G>A (NM_001374266.1, NM_001354670.2); c.620-1G>A (NM_015869.5, NM_001374265.1, NM_001354668.2).
Identifiers: ClinVar variation 1285541 (VCV001285541.2), dbSNP rs2125252529, ClinGen allele CA351618574.